The following is an entry in ClinVar:

ClinVar aggregate classification (germline): Uncertain significance (1 of 4 stars; one submission).

Submission:

Clinical Genomics Laboratory, Laboratory for Precision Diagnostics, University of Washington
Classification: Uncertain significance. Last evaluated: 2017-10-02. Review status: criteria provided, single submitter. Criteria: Clinical Cytogenomics Laboratory Policy on CNV Interpretation. Collection method: clinical testing. Allele origin: unknown. Affected: yes. Observed: 1 variant allele.

Literature cited by the submitters: PubMed 22922608; PubMed 21359847; PubMed 24821083; PubMed 27566550.

GRCh37/hg19 15q11.2(chr15:22753733-23140114)x3

Genes: CYFIP1 (cytoplasmic FMR1 interacting protein 1; minus strand), NIPA1 (NIPA magnesium transporter 1; plus strand), NIPA2 (NIPA magnesium transporter 2; plus strand), TUBGCP5 (tubulin gamma complex component 5; minus strand). Cytogenetic location: 15q11.2.
Variant type: copy number gain.
Change: copy number 3 (three copies instead of two) of chr15:22,753,733-23,140,114 (386.4 kb, GRCh37 coordinates, 1-based), cytogenetic band 15q11.2.
Identifiers: ClinVar variation 548964 (VCV000548964.3).